The following is an entry in ClinVar:

ClinVar aggregate classification (germline): Uncertain significance (1 of 4 stars; one submission).

Submission:

CeGaT Center for Human Genetics Tuebingen
Classification: Uncertain significance. Last evaluated: 2026-06-01. Review status: criteria provided, single submitter. Criteria: CeGaT Center For Human Genetics Tuebingen Variant Classification Criteria Version 2. Collection method: clinical testing. Allele origin: germline. Affected: yes. Observed: 1 variant allele.
Comment: RYR2: PM2

NM_001035.3(RYR2):c.2834C>T (p.Ala945Val)

Gene: RYR2 (ryanodine receptor 2; plus strand). Cytogenetic location: 1q43.
Variant type: single nucleotide variant.
Coding change: c.2834C>T on transcript NM_001035.3 (MANE Select); coding-DNA position 2834, C replaced by T.
Protein change: p.Ala945Val; replaces alanine 945 with valine.
Molecular consequence: missense variant.
Genome position (GRCh38, 1-based): chr1:237,530,438, C>T. VCF-style: chr1-237530438-C-T. GRCh37 (hg19) VCF-style: chr1-237693738-C-T.
Other names: short protein forms A945V.
Identifiers: ClinVar variation 4875291 (VCV004875291.2).